The following is an entry in ClinVar:

ClinVar aggregate classification (germline): Likely pathogenic (1 of 4 stars; one submission).

Submission:

Labcorp Genetics (formerly Invitae), Labcorp
Classification: Likely pathogenic. Last evaluated: 2025-11-18. Review status: criteria provided, single submitter. Criteria: Invitae Variant Classification Sherloc (09022015). Collection method: clinical testing. Allele origin: germline.
Comment: This variant results in the deletion of part of exon 6 (c.457_457+4del) of the ASAH1 gene. It is expected to disrupt RNA splicing. Variants that disrupt the donor or acceptor splice site typically lead to a loss of protein function (PMID: 16199547), and loss-of-function variants in ASAH1 are known to be pathogenic (PMID: 24164096, 24355074). This variant is not present in population databases (gnomAD no frequency). This variant has not been reported in the literature in individuals affected with ASAH1-related conditions. Algorithms developed to predict the effect of sequence changes on RNA splicing suggest that this variant may disrupt the consensus splice site. In summary, the currently available evidence indicates that the variant is pathogenic, but additional data are needed to prove that conclusively. Therefore, this variant has been classified as Likely Pathogenic.

Literature cited by the submitters: PubMed 16199547; PubMed 24164096; PubMed 24355074.

NM_177924.5(ASAH1):c.457_457+4del

Gene: ASAH1 (N-acylsphingosine amidohydrolase 1; minus strand). Cytogenetic location: 8p22.
Variant type: Deletion.
Coding change: c.457_457+4del on transcript NM_177924.5 (MANE Select); coding-DNA position 457 through 4 bases into the intron after coding-DNA position 457, 5 bases deleted (GGTAA; older notation c.457_457+4delGGTAA).
Molecular consequence: splice donor variant.
Genome position (GRCh38, 1-based): chr8:18,064,453-18,064,457, TTACC deleted on the plus strand (GGTAA on the coding strand, the reverse complement: ASAH1 is on the minus strand); deleting any 5 consecutive bases within chr8:18,064,453-18,064,459 gives the same sequence; the c. name uses the placement nearest the transcript's 3' end. VCF-style (leftmost placement, unchanged base first): chr8-18064452-ATTACC-A. GRCh37 (hg19) VCF-style: chr8-17921961-ATTACC-A.
Other names: c.505_505+4del (NM_004315.6); c.439_439+4del (NM_001127505.3); c.262_262+4del (NM_001363743.2).
Identifiers: ClinVar variation 4731138 (VCV004731138.1).